The following is an entry in ClinVar:

NM_052947.4(ALPK2):c.1358C>T (p.Thr453Ile)

Gene: ALPK2 (alpha kinase 2; minus strand). Cytogenetic location: 18q21.31.
Variant type: single nucleotide variant.
Coding change: c.1358C>T on transcript NM_052947.4 (MANE Select); coding-DNA position 1358, C replaced by T.
Protein change: p.Thr453Ile; replaces threonine 453 with isoleucine.
Molecular consequence: missense variant.
Genome position (GRCh38, 1-based): chr18:58,579,418, G>A on the plus strand (C>T on the coding strand, the complement: ALPK2 is on the minus strand). VCF-style: chr18-58579418-G-A. GRCh37 (hg19) VCF-style: chr18-56246650-G-A.
Other names: short protein forms T453I.
Identifiers: ClinVar variation 2626005 (VCV002626005.2), dbSNP rs2518899089, ClinGen allele CA402563369.

ClinVar aggregate classification (germline): Uncertain significance (1 of 4 stars; one submission).

Submission:

Ambry Genetics
Classification: Uncertain significance. Last evaluated: 2023-07-27. Review status: criteria provided, single submitter. Criteria: Ambry Variant Classification Scheme 2023. Collection method: clinical testing. Allele origin: germline.
Comment: The p.T453I variant (also known as c.1358C>T), located in coding exon 3 of the ALPK2 gene, results from a C to T substitution at nucleotide position 1358. The threonine at codon 453 is replaced by isoleucine, an amino acid with similar properties. This amino acid position is conserved. In addition, this alteration is predicted to be tolerated by in silico analysis. Since supporting evidence is limited at this time, the clinical significance of this alteration remains unclear.